The following is an entry in ClinVar:

NM_000222.3(KIT):c.745_746del (p.Glu249fs)

Gene: KIT (KIT proto-oncogene, receptor tyrosine kinase; plus strand). Cytogenetic location: 4q12.
Variant type: Microsatellite.
Coding change: c.745_746del on transcript NM_000222.3 (MANE Select); coding-DNA positions 745 to 746, 2 bases deleted (GA; older notation c.745_746delGA).
Protein change: p.Glu249fs; shifts the reading frame from glutamic acid 249.
Molecular consequence: frameshift variant.
Genome position (GRCh38, 1-based): chr4:54,699,755-54,699,756, GA deleted; deleting any 2 consecutive bases within chr4:54,699,752-54,699,756 gives the same sequence; the c. name uses the placement nearest the transcript's 3' end. VCF-style (leftmost placement, unchanged base first): chr4-54699751-AAG-A. GRCh37 (hg19) VCF-style: chr4-55565917-AAG-A.
Other names: c.743_744GA[1], p.Glu249Lysfs (NM_000222.2); c.745_746del, p.Glu249fs (NM_001093772.2, NM_001385284.1, NM_001385285.1 and 4 more transcripts); c.745_746del (NM_000222.2); short protein forms E249fs.
Identifiers: ClinVar variation 3899876 (VCV003899876.1).

ClinVar aggregate classification (germline): Likely pathogenic (1 of 4 stars; one submission).

Conditions:
Piebaldism. Also called: Piebald skin depigmentation. Identifiers: Orphanet 2884, MedGen C0080024, MONDO:0008244, OMIM 172800, HP:0007544.

Submission:

Genetics Department, Catlab
Classification: Likely pathogenic for Piebaldism. Last evaluated: 2025-01-17. Review status: criteria provided, single submitter. Criteria: ACMG Guidelines, 2015. Collection method: clinical testing. Allele origin: paternal. Affected: yes. Observed: 2 variant alleles.
Comment: The c.745_746del variant in the KIT gene is a loss of function variant predicted to undergo nonsense mediated decay, and loss of function variants have been described as a causing mechanism for the gene (PVS1). The variant is absent from the gnomAD database (PM2). With all the available evidence, the variant is classified as likely pathogenic.